The following is an entry in ClinVar:

ClinVar aggregate classification (germline): Uncertain significance (1 of 4 stars; one submission).

Conditions:
Nephrotic syndrome, type 17. Identifiers: MedGen C4748545, MONDO:0032580, OMIM 618176.

Submission:

Navigene Genetic Science Pvt Ltd
Classification: Uncertain significance for Nephrotic syndrome, type 17. Last evaluated: 2026-06-12. Review status: criteria provided, single submitter. Criteria: ACMG Guidelines, 2015. Collection method: clinical testing. Allele origin: germline. Affected: yes. Observed: 1 variant allele, 1 heterozygote.
Comment: This variant was classified as a Variant of Uncertain Significance (VUS) according to the ACMG/AMP 2015 guidelines (PM2). The variant is a heterozygous missense change in the NUP85 gene, which is associated with autosomal recessive nephrotic syndrome type 17. The variant is absent from population databases, including gnomAD, and has not been previously reported in ClinVar or dbSNP. Computational prediction using fitCons suggests a deleterious effect. ORVAL analysis indicates a potential interaction between NUP85 and NUP205, suggesting a possible combined contribution to the phenotype; however, this evidence is currently insufficient to establish pathogenicity. Therefore, based on the available evidence, the variant is classified as a Variant of Uncertain Significance.

NM_024844.5(NUP85):c.830G>T (p.Ser277Ile)

Gene: NUP85 (nucleoporin 85; plus strand). Cytogenetic location: 17q25.1.
Variant type: single nucleotide variant.
Coding change: c.830G>T on transcript NM_024844.5 (MANE Select); coding-DNA position 830, G replaced by T.
Protein change: p.Ser277Ile; replaces serine 277 with isoleucine.
Molecular consequence: missense variant.
Genome position (GRCh38, 1-based): chr17:75,225,439, G>T. VCF-style: chr17-75225439-G-T. GRCh37 (hg19) VCF-style: chr17-73221534-G-T.
Other names: c.692G>T, p.Ser231Ile (NM_001303276.2); c.695G>T, p.Ser232Ile (NM_001330472.2); short protein forms S231I, S232I, S277I.
Identifiers: ClinVar variation 4880182 (VCV004880182.1).